The following is an entry in ClinVar:

ClinVar aggregate classification (germline): Benign. Review status: criteria provided, multiple submitters, no conflicts (2 of 4 stars). 11 submissions from 11 submitters: Benign (9). 2 of the submissions do not count toward it. Last evaluated 2026-02-04.

Conditions:
Bartter disease type 1. Also called: Bartter syndrome, type 1, antenatal; Bartter Syndrome type 1; HYPERPROSTAGLANDIN E SYNDROME 1; HYPOKALEMIC ALKALOSIS WITH HYPERCALCIURIA 1, ANTENATAL. Identifiers: Orphanet 112, Orphanet 620217, MedGen C1866495, MONDO:0100344, OMIM 601678, MONDO:0011127.

Allele frequency attached by ClinVar (database versions not stated): ESP Exome Variant Server 0.36574; gnomAD 0.37595 and 0.37763; TOPMed 0.39432; 1000 Genomes Project 0.49561; 1000 Genomes Project 30x 0.50047.

Submissions (11):

Labcorp Genetics (formerly Invitae), Labcorp
Classification: Benign. Last evaluated: 2026-02-04. Review status: criteria provided, single submitter. Criteria: Invitae Variant Classification Sherloc (09022015). Collection method: clinical testing. Allele origin: germline.

Blueprint Genetics
Classification: Benign. Last evaluated: 2024-11-27. Review status: criteria provided, single submitter. Criteria: ACMG Guidelines, 2015. Collection method: clinical testing. Allele origin: germline.

Mayo Clinic Laboratories, Mayo Clinic
Classification: Benign. Last evaluated: 2022-03-09. Review status: criteria provided, single submitter. Criteria: ACMG Guidelines, 2015. Collection method: clinical testing. Allele origin: germline. Observed: 86 variant alleles.

GeneDx
Classification: Benign. Last evaluated: 2018-11-12. Review status: criteria provided, single submitter. Criteria: GeneDx Variant Classification Process June 2021. Collection method: clinical testing. Allele origin: germline. Affected: yes.

Illumina Laboratory Services, Illumina
Classification: Benign for Bartter disease type 1. Last evaluated: 2018-01-13. Review status: criteria provided, single submitter. Criteria: ICSL Variant Classification Criteria 13 December 2019. Collection method: clinical testing. Allele origin: germline.
Comment: This variant was observed in the ICSL laboratory as part of a predisposition screen in an ostensibly healthy population. It had not been previously curated by ICSL or reported in the Human Gene Mutation Database (HGMD: prior to June 1st, 2018), and was therefore a candidate for classification through an automated scoring system. Utilizing variant allele frequency, disease prevalence and penetrance estimates, and inheritance mode, an automated score was calculated to assess if this variant is too frequent to cause the disease. Based on the score and internal cut-off values, a variant classified as benign is not then subjected to further curation. The score for this variant resulted in a classification of benign for this disease.

Athena Diagnostics
Classification: Benign. Last evaluated: 2017-07-26. Review status: criteria provided, single submitter. Criteria: Athena Diagnostics Criteria. Collection method: clinical testing. Allele origin: germline.

Laboratory for Molecular Medicine, Mass General Brigham Personalized Medicine
Classification: Benign. Last evaluated: 2016-03-21. Review status: criteria provided, single submitter. Criteria: LMM Criteria. Collection method: clinical testing. Allele origin: germline. Observed: 1 variant allele.
Comment: p.Tyr538Tyr in exon 13 of SLC12A1: This variant is not expected to have clinical significance because it does not alter an amino acid residue, is not located wi thin the splice consensus sequence, and has been identified in 83.66% (1106/1322 ) of African chromosomes by the 1000 Genomes Project (Phase 3; dbSNP rs6493311).

Breakthrough Genomics
Classification: Benign. Review status: criteria provided, single submitter. Criteria: ACMG Guidelines, 2015. Collection method: not provided. Allele origin: germline. Inheritance: Autosomal recessive inheritance. Affected: yes.

PreventionGenetics, part of Exact Sciences
Classification: Benign. Review status: criteria provided, single submitter. Criteria: ACMG Guidelines, 2015. Collection method: clinical testing. Allele origin: germline.

Genome Diagnostics Laboratory, University Medical Center Utrecht
Classification: Benign. Review status: no assertion criteria provided. Collection method: clinical testing. Allele origin: germline. Affected: yes. Study: VKGL Data-share Consensus. Not counted in ClinVar's aggregate classification.

Joint Genome Diagnostic Labs from Nijmegen and Maastricht, Radboudumc and MUMC+
Classification: Benign. Review status: no assertion criteria provided. Collection method: clinical testing. Allele origin: germline. Affected: yes. Study: VKGL Data-share Consensus. Not counted in ClinVar's aggregate classification.

NM_000338.3(SLC12A1):c.1614T>C (p.Tyr538=)

Gene: SLC12A1 (solute carrier family 12 member 1; plus strand). Cytogenetic location: 15q21.1.
Variant type: single nucleotide variant.
Coding change: c.1614T>C on transcript NM_000338.3 (MANE Select); coding-DNA position 1614, T replaced by C.
Protein change: p.Tyr538=; no amino-acid change (tyrosine 538 retained).
Molecular consequence: synonymous variant.
Genome position (GRCh38, 1-based): chr15:48,247,390, T>C. VCF-style: chr15-48247390-T-C. GRCh37 (hg19) VCF-style: chr15-48539587-T-C.
Other names: p.Tyr538=; c.1614T>C, p.Tyr538= (NM_001184832.2).
Identifiers: ClinVar variation 255872 (VCV000255872.24), dbSNP rs6493311, ClinGen allele CA7547156.
Genomic context (GRCh38, chr15:48,247,390, plus strand): 5'-CCATTAGGCTCTGTGCAAGGACAACATCTACAAAGCCCTGCAGTTTTTTGCAAAGGGATA[T>C]GGGAAAAACAATGAACCCCTGAGAGGATATATTCTCACTTTTCTTATAGCCATGGCATTT-3'
Protein context (NP_000329.2, residues 528-548): YKALQFFAKG[Tyr538=]GKNNEPLRGY